The following is an entry in ClinVar:

NM_006231.4(POLE):c.630G>T (p.Lys210Asn)

Gene: POLE (DNA polymerase epsilon, catalytic subunit; minus strand). Cytogenetic location: 12q24.33.
Variant type: single nucleotide variant.
Coding change: c.630G>T on transcript NM_006231.4 (MANE Select); coding-DNA position 630, G replaced by T.
Protein change: p.Lys210Asn; replaces lysine 210 with asparagine.
Molecular consequence: missense variant.
Genome position (GRCh38, 1-based): chr12:132,677,668, C>A on the plus strand (G>T on the coding strand, the complement: POLE is on the minus strand). VCF-style: chr12-132677668-C-A. GRCh37 (hg19) VCF-style: chr12-133254254-C-A.
Other names: short protein forms K210N.
Identifiers: ClinVar variation 2808850 (VCV002808850.3), dbSNP rs2043086755, ClinGen allele CA387365226.

ClinVar aggregate classification (germline): Uncertain significance (1 of 4 stars; one submission).

Submission:

Labcorp Genetics (formerly Invitae), Labcorp
Classification: Uncertain significance. Last evaluated: 2022-10-18. Review status: criteria provided, single submitter. Criteria: Invitae Variant Classification Sherloc (09022015). Collection method: clinical testing. Allele origin: germline.
Comment: This sequence change replaces lysine, which is basic and polar, with asparagine, which is neutral and polar, at codon 210 of the POLE protein (p.Lys210Asn). This variant is not present in population databases (gnomAD no frequency). This variant has not been reported in the literature in individuals affected with POLE-related conditions. Advanced modeling of protein sequence and biophysical properties (such as structural, functional, and spatial information, amino acid conservation, physicochemical variation, residue mobility, and thermodynamic stability) performed at Invitae indicates that this missense variant is not expected to disrupt POLE protein function. In summary, the available evidence is currently insufficient to determine the role of this variant in disease. Therefore, it has been classified as a Variant of Uncertain Significance.